The following is an entry in ClinVar:

NM_001035.3(RYR2):c.13057C>T (p.Pro4353Ser)

Genes: RYR2 (ryanodine receptor 2; plus strand), LOC126806068 (BRD4-independent group 4 enhancer GRCh37_chr1:237947411-237948610; plus strand). Cytogenetic location: 1q43.
Variant type: single nucleotide variant.
Coding change: c.13057C>T on transcript NM_001035.3 (MANE Select); coding-DNA position 13057, C replaced by T.
Protein change: p.Pro4353Ser; replaces proline 4353 with serine.
Molecular consequence: missense variant.
Genome position (GRCh38, 1-based): chr1:237,784,769, C>T. VCF-style: chr1-237784769-C-T. GRCh37 (hg19) VCF-style: chr1-237948069-C-T.
Other names: p.P4353S:CCC>TCC; c.13057C>T, p.Pro4353Ser (LRG_402t1); short protein forms P4353S.
Identifiers: ClinVar variation 201342 (VCV000201342.2), dbSNP rs794728794, ClinGen allele CA007794.

ClinVar aggregate classification (germline): Uncertain significance (1 of 4 stars; one submission).

gnomAD v4.1: 16 of 1,605,066 alleles (0.001%); highest among the groups gnomAD compares: Non-Finnish European, 0.0014%; no homozygotes.

Submission:

GeneDx
Classification: Uncertain significance. Last evaluated: 2014-07-14. Review status: criteria provided, single submitter. Criteria: GeneDx Variant Classification (06012015). Collection method: clinical testing. Allele origin: germline. Affected: yes.
Comment: This variant is denoted c.13057 C>T p.Pro4353Ser (P4353S) NM_001035.2. The P4353S variant has not been published as a mutation or as a benign polymorphism to our knowledge. The P4353S variant was not observed in approximately 6,000 individuals of European and African American ancestry in the NHLBI Exome Sequencing Project, indicating it is not a common benign variant in these populations. In addition, the P4353S variant is a non-conservative amino acid substitution, which is likely to impact secondary protein structure as these residues differ in polarity, charge, size and/or other properties. Nevertheless, this substitution occurs at a position that is not conserved across species. Moreover, in silico analysis predicts this variant likely does not alter the protein structure/function. Furthermore, no missense mutations in nearby residues have been reported in association with cardiomyopathy, indicating this region of the protein may be tolerant of change. Therefore, based on the currently available information, it is unclear whether this variant is a pathogenic mutation or a rare benign variant. The variant is found in CARDIOMYOPATHY panel(s).